The following is an entry in ClinVar:

ClinVar aggregate classification (germline): Uncertain significance (1 of 4 stars; one submission).

Conditions:
Familial thoracic aortic aneurysm and aortic dissection (TAAD). Also called: Thoracic aortic aneurysms and dissections. Identifiers: Orphanet 91387, MedGen C4707243, MONDO:0019625.

Submission:

Ambry Genetics
Classification: Uncertain significance for Familial thoracic aortic aneurysm and aortic dissection. Last evaluated: 2021-01-19. Review status: criteria provided, single submitter. Criteria: Ambry Variant Classification Scheme 2023. Collection method: clinical testing. Allele origin: germline.
Comment: The c.2028+3G>T intronic variant results from a G to T substitution 3 nucleotides after coding exon 18 in the PLOD1 gene. This nucleotide position is not well conserved in available vertebrate species. In silico splice site analysis predicts that this alteration will not have any significant effect on splicing. Since supporting evidence is limited at this time, the clinical significance of this alteration remains unclear.

NM_000302.4(PLOD1):c.2028+3G>T

Gene: PLOD1 (procollagen-lysine,2-oxoglutarate 5-dioxygenase 1; plus strand). Cytogenetic location: 1p36.22.
Variant type: single nucleotide variant.
Coding change: c.2028+3G>T on transcript NM_000302.4 (MANE Select); 3 bases into the intron after coding-DNA position 2028, G replaced by T.
Molecular consequence: intron variant.
Genome position (GRCh38, 1-based): chr1:11,973,000, G>T. VCF-style: chr1-11973000-G-T. GRCh37 (hg19) VCF-style: chr1-12033057-G-T.
Other names: c.2169+3G>T (NM_001316320.2).
Identifiers: ClinVar variation 1784682 (VCV001784682.2), dbSNP rs1197044678, ClinGen allele CA2580060564.